The following is an entry in ClinVar:

NM_024301.5(FKRP):c.351G>A (p.Pro117=)

Gene: FKRP (fukutin related protein; plus strand). Cytogenetic location: 19q13.32.
Variant type: single nucleotide variant.
Coding change: c.351G>A on transcript NM_024301.5 (MANE Select); coding-DNA position 351, G replaced by A.
Protein change: p.Pro117=; no amino-acid change (proline 117 retained).
Molecular consequence: synonymous variant.
Genome position (GRCh38, 1-based): chr19:46,755,801, G>A. VCF-style: chr19-46755801-G-A. GRCh37 (hg19) VCF-style: chr19-47259058-G-A.
Other names: c.351G>A, p.Pro117= (NM_001039885.3).
Identifiers: ClinVar variation 415175 (VCV000415175.17), dbSNP rs1060504470, ClinGen allele CA16616075.
Genomic context (GRCh38, chr19:46,755,801, plus strand): 5'-CAACGTGCGTCTGGCGCTGCTCCAGCCCGCCCTGGACCGGCCAGCCGCAGCCTCGCGCCC[G>A]GAGACCTACGTGGCCACCGAGTTTGTGGCCCTAGTACCTGATGGGGCGCGGGCTGAGGCA-3'
Protein context (NP_077277.1, residues 107-127): ALDRPAAASR[Pro117=]ETYVATEFVA

ClinVar aggregate classification (germline): Likely benign. Review status: criteria provided, multiple submitters, no conflicts (2 of 4 stars). 2 submissions from 2 submitters: Likely benign (2). Last evaluated 2025-12-01.

Conditions:
Walker-Warburg congenital muscular dystrophy. Also called: Muscular dystrophy-dystroglycanopathy, type A; Walker-Warburg syndrome. Identifiers: Orphanet 899, MedGen C0265221, MONDO:0000171.

Allele frequency attached by ClinVar (database versions not stated): gnomAD exomes below 0.00001.

Submissions (2):

CeGaT Center for Human Genetics Tuebingen
Classification: Likely benign. Last evaluated: 2025-12-01. Review status: criteria provided, single submitter. Criteria: CeGaT Center For Human Genetics Tuebingen Variant Classification Criteria Version 2. Collection method: clinical testing. Allele origin: germline. Affected: yes. Observed: 2 variant alleles.
Comment: FKRP: BP4, BP7

Labcorp Genetics (formerly Invitae), Labcorp
Classification: Likely benign for Walker-Warburg congenital muscular dystrophy. Last evaluated: 2025-12-01. Review status: criteria provided, single submitter. Criteria: Invitae Variant Classification Sherloc (09022015). Collection method: clinical testing. Allele origin: germline.